The following is an entry in ClinVar:

NM_001278716.2(FBXL4):c.1787C>T (p.Ser596Leu)

Gene: FBXL4 (F-box and leucine rich repeat protein 4; minus strand). Cytogenetic location: 6q16.1.
Variant type: single nucleotide variant.
Coding change: c.1787C>T on transcript NM_001278716.2 (MANE Select); coding-DNA position 1787, C replaced by T.
Protein change: p.Ser596Leu; replaces serine 596 with leucine.
Molecular consequence: missense variant. On other transcripts: non-coding transcript variant (1).
Genome position (GRCh38, 1-based): chr6:98,874,357, G>A on the plus strand (C>T on the coding strand, the complement: FBXL4 is on the minus strand). VCF-style: chr6-98874357-G-A. GRCh37 (hg19) VCF-style: chr6-99322233-G-A.
Other names: c.1787C>T, p.Ser596Leu (NM_012160.5); short protein forms S596L.
Identifiers: ClinVar variation 437816 (VCV000437816.6), dbSNP rs542778224, ClinGen allele CA3933341.
Genomic context (GRCh38, chr6:98,874,357, plus strand): 5'-TTTATGAACACTTTTGGAAAGCTTGCATTCAGTTCTAGCACAGCTCTGTTATCAATCTGC[G>A]AACAGAAGGACACATCAAGTAAAGAAAGATCTTTACAAGATTCCAGGAGTTTTCTTAAGG-3'
Protein context (NP_001265645.1, residues 586-606): DLSLLDVSFC[Ser596Leu]QIDNRAVLEL

ClinVar aggregate classification (germline): Uncertain significance. Review status: criteria provided, multiple submitters, no conflicts (2 of 4 stars). 2 submissions from 2 submitters: Uncertain significance (2). Last evaluated 2022-08-20.

Conditions:
Mitochondrial DNA depletion syndrome 13. Also called: FBXL4-Related Encephalomyopathic Mitochondrial DNA Depletion Syndrome; Mitochondrial DNA depletion syndrome 13 (encephalomyopathic type). Identifiers: Orphanet 369897, MedGen C3809592, MONDO:0014198, OMIM 615471.

Allele frequency attached by ClinVar (database versions not stated): 1000 Genomes Project 30x 0.00016; 1000 Genomes Project 0.00020; gnomAD 0.00001; gnomAD exomes 0.00001; ExAC 0.00002.
gnomAD v4.1: 8 of 1,612,982 alleles (0.0005%); highest among the groups gnomAD compares: Admixed American, 0.0017%; no homozygotes.

Submissions (2):

Labcorp Genetics (formerly Invitae), Labcorp
Classification: Uncertain significance. Last evaluated: 2022-08-20. Review status: criteria provided, single submitter. Criteria: Invitae Variant Classification Sherloc (09022015). Collection method: clinical testing. Allele origin: germline.
Comment: In summary, the available evidence is currently insufficient to determine the role of this variant in disease. Therefore, it has been classified as a Variant of Uncertain Significance. Advanced modeling of protein sequence and biophysical properties (such as structural, functional, and spatial information, amino acid conservation, physicochemical variation, residue mobility, and thermodynamic stability) performed at Invitae indicates that this missense variant is expected to disrupt FBXL4 protein function. ClinVar contains an entry for this variant (Variation ID: 437816). This variant has not been reported in the literature in individuals affected with FBXL4-related conditions. This variant is present in population databases (rs542778224, gnomAD 0.003%). This sequence change replaces serine, which is neutral and polar, with leucine, which is neutral and non-polar, at codon 596 of the FBXL4 protein (p.Ser596Leu).

Wong Mito Lab, Molecular and Human Genetics, Baylor College of Medicine
Classification: Uncertain significance for Mitochondrial DNA depletion syndrome 13. Last evaluated: 2017-08-10. Review status: criteria provided, single submitter. Criteria: ACMG Guidelines, 2015. Collection method: reference population. Allele origin: germline.
Comment: The NM_012160.4:c.1787C>T (NP_036292.2:p.Ser596Leu) [GRCH38: NC_000006.12:g.98874357G>A] variant in FBXL4 gene is interpretated to be a Uncertain Significance - Insufficient Evidence based on ACMG guidelines (PMID: 25741868). This variant meets one or more of the following evidence codes reported in the ACMG-guideline. PM2:This variant is absent in key population databases. Based on this evidence code ClinGen Pathogenicity Calculator (PMID:28081714) suggested that the variant is Uncertain Significance - Insufficient Evidence.